The following is an entry in ClinVar:

NM_001084.5(PLOD3):c.715C>T (p.Arg239Cys)

Gene: PLOD3 (procollagen-lysine,2-oxoglutarate 5-dioxygenase 3; minus strand). Cytogenetic location: 7q22.1.
Variant type: single nucleotide variant.
Coding change: c.715C>T on transcript NM_001084.5 (MANE Select); coding-DNA position 715, C replaced by T.
Protein change: p.Arg239Cys; replaces arginine 239 with cysteine.
Molecular consequence: missense variant.
Genome position (GRCh38, 1-based): chr7:101,213,169, G>A on the plus strand (C>T on the coding strand, the complement: PLOD3 is on the minus strand). VCF-style: chr7-101213169-G-A. GRCh37 (hg19) VCF-style: chr7-100856450-G-A.
Other names: short protein forms R239C.
Identifiers: ClinVar variation 1930331 (VCV001930331.3), dbSNP rs747100283, ClinGen allele CA4408056.

ClinVar aggregate classification (germline): Uncertain significance (1 of 4 stars; one submission).

Allele frequency attached by ClinVar (database versions not stated): TOPMed 0.00001; ExAC 0.00003.
gnomAD v4.1: 6 of 1,613,472 alleles (0.00037%); highest among the groups gnomAD compares: Admixed American, 0.0083%; no homozygotes.

Submission:

Labcorp Genetics (formerly Invitae), Labcorp
Classification: Uncertain significance. Last evaluated: 2022-03-05. Review status: criteria provided, single submitter. Criteria: Invitae Variant Classification Sherloc (09022015). Collection method: clinical testing. Allele origin: germline.
Comment: In summary, the available evidence is currently insufficient to determine the role of this variant in disease. Therefore, it has been classified as a Variant of Uncertain Significance. Algorithms developed to predict the effect of missense changes on protein structure and function are either unavailable or do not agree on the potential impact of this missense change (SIFT: "Deleterious"; PolyPhen-2: "Probably Damaging"; Align-GVGD: "Class C15"). This variant has not been reported in the literature in individuals affected with PLOD3-related conditions. This variant is present in population databases (rs747100283, gnomAD 0.01%). This sequence change replaces arginine, which is basic and polar, with cysteine, which is neutral and slightly polar, at codon 239 of the PLOD3 protein (p.Arg239Cys).